The following is an entry in ClinVar:

ClinVar aggregate classification (germline): Uncertain significance. Review status: criteria provided, multiple submitters, no conflicts (2 of 4 stars). 2 submissions from 2 submitters: Uncertain significance (2). Last evaluated 2025-09-19.

Allele frequency attached by ClinVar (database versions not stated): gnomAD exomes below 0.00001.
gnomAD v4.1: 3 of 1,612,768 alleles (0.00019%); highest among the groups gnomAD compares: South Asian, 0.0011%; no homozygotes.

Submissions (2):

Labcorp Genetics (formerly Invitae), Labcorp
Classification: Uncertain significance. Last evaluated: 2025-09-19. Review status: criteria provided, single submitter. Criteria: Invitae Variant Classification Sherloc (09022015). Collection method: clinical testing. Allele origin: germline.
Comment: This sequence change replaces arginine, which is basic and polar, with histidine, which is basic and polar, at codon 1848 of the WDFY3 protein (p.Arg1848His). This variant is not present in population databases (gnomAD no frequency). This variant has not been reported in the literature in individuals affected with WDFY3-related conditions. ClinVar contains an entry for this variant (Variation ID: 1712240). Invitae Evidence Modeling of protein sequence and biophysical properties (such as structural, functional, and spatial information, amino acid conservation, physicochemical variation, residue mobility, and thermodynamic stability) indicates that this missense variant is not expected to disrupt WDFY3 protein function with a negative predictive value of 80%. In summary, the available evidence is currently insufficient to determine the role of this variant in disease. Therefore, it has been classified as a Variant of Uncertain Significance.

GeneDx
Classification: Uncertain significance. Last evaluated: 2022-04-20. Review status: criteria provided, single submitter. Criteria: GeneDx Variant Classification Process June 2021. Collection method: clinical testing. Allele origin: germline. Affected: yes.
Comment: Not observed at significant frequency in large population cohorts (gnomAD); In silico analysis supports that this missense variant has a deleterious effect on protein structure/function; Has not been previously published as pathogenic or benign to our knowledge

NM_014991.6(WDFY3):c.5543G>A (p.Arg1848His)

Gene: WDFY3 (WD repeat and FYVE domain containing 3; minus strand). Cytogenetic location: 4q21.23.
Variant type: single nucleotide variant.
Coding change: c.5543G>A on transcript NM_014991.6 (MANE Select); coding-DNA position 5543, G replaced by A.
Protein change: p.Arg1848His; replaces arginine 1848 with histidine.
Molecular consequence: missense variant.
Genome position (GRCh38, 1-based): chr4:84,755,282, C>T on the plus strand (G>A on the coding strand, the complement: WDFY3 is on the minus strand). VCF-style: chr4-84755282-C-T. GRCh37 (hg19) VCF-style: chr4-85676435-C-T.
Other names: short protein forms R1848H.
Identifiers: ClinVar variation 1712240 (VCV001712240.3), dbSNP rs1384921802, ClinGen allele CA357562817.
Genomic context (GRCh38, chr4:84,755,282, plus strand): 5'-GCAGGAGGAATTCTCAATAGGCCTGGGCATTTGAGTGAACTTACTGAAGTCAGCATGCTG[C>T]GGAGCATTCCCAATAATAAAAAAACAGCTTCTGTGCATACGTTATGGATAGAAGAGACCA-3'
Protein context (NP_055806.2, residues 1838-1858): EAVFLLLGML[Arg1848His]SMLTSPWQSE